The following is an entry in ClinVar:

ClinVar aggregate classification (germline): Uncertain significance. Review status: reviewed by expert panel (3 of 4 stars). 2 submissions from 2 submitters: Uncertain significance (1). 1 of the submissions does not count toward it. Last evaluated 2024-10-29.

Conditions:
Hereditary thrombocytopenia and hematological cancer predisposition syndrome associated with RUNX1. Also called: Familial Platelet Disorder with Propensity to Acute Myelogenous Leukemia; Familial thrombocytopenia with propensity to acute myelogenous leukemia; PLATELET DISORDER, ASPIRIN-LIKE; RUNX1 Familial Platelet Disorder with Associated Myeloid Malignancies. Identifiers: Orphanet 71290, MedGen C1832388, MeSH C563324, MONDO:0100083, OMIM 601399.
Hereditary thrombocytopenia and hematologic cancer predisposition syndrome. Identifiers: Orphanet 71290, MedGen CN281654, MONDO:0011071.

Submissions (2):

ClinGen Myeloid Malignancy Variant Curation Expert Panel
Classification: Uncertain significance for Hereditary thrombocytopenia and hematologic cancer predisposition syndrome. Last evaluated: 2024-10-29. Review status: reviewed by expert panel. Criteria: ClinGen MyeloMalig ACMG Specifications v2. Collection method: curation. Allele origin: germline. Inheritance: Autosomal dominant inheritance.
Comment: NM_001754.5(RUNX1):c.346T>A (p.Phe116Ile) is a missense variant which is found within the runt homology domain but does not occur in an established hotspot residue (PM1_supporting). This variant has a REVEL score ≥ 0.88 (0.98) (PP3). This variant is completely absent from all population databases with at least 20x coverage for RUNX1 (PM2_Supporting). In summary, the clinical significance of this variant is uncertain. ACMG/AMP criteria applied, as specified by the Myeloid Malignancy Variant Curation Expert Panel for RUNX1: PP3, PM1_supporting, PM2_supporting.

Labcorp Genetics (formerly Invitae), Labcorp
Classification: Uncertain significance for Hereditary thrombocytopenia and hematological cancer predisposition syndrome associated with RUNX1. Last evaluated: 2023-09-03. Review status: criteria provided, single submitter. Criteria: Invitae Variant Classification Sherloc (09022015). Collection method: clinical testing. Allele origin: germline. Not counted in ClinVar's aggregate classification.
Comment: This sequence change replaces phenylalanine, which is neutral and non-polar, with isoleucine, which is neutral and non-polar, at codon 116 of the RUNX1 protein (p.Phe116Ile). This variant is not present in population databases (gnomAD no frequency). This variant has not been reported in the literature in individuals affected with RUNX1-related conditions. Advanced modeling of protein sequence and biophysical properties (such as structural, functional, and spatial information, amino acid conservation, physicochemical variation, residue mobility, and thermodynamic stability) performed at Invitae indicates that this missense variant is expected to disrupt RUNX1 protein function. In summary, the available evidence is currently insufficient to determine the role of this variant in disease. Therefore, it has been classified as a Variant of Uncertain Significance.

NM_001754.5(RUNX1):c.346T>A (p.Phe116Ile)

Gene: RUNX1 (RUNX family transcription factor 1; minus strand). Cytogenetic location: 21q22.12.
Variant type: single nucleotide variant.
Coding change: c.346T>A on transcript NM_001754.5 (MANE Select); coding-DNA position 346, T replaced by A.
Protein change: p.Phe116Ile; replaces phenylalanine 116 with isoleucine.
Molecular consequence: missense variant.
Genome position (GRCh38, 1-based): chr21:34,886,848, A>T on the plus strand (T>A on the coding strand, the complement: RUNX1 is on the minus strand). VCF-style: chr21-34886848-A-T. GRCh37 (hg19) VCF-style: chr21-36259145-A-T.
Other names: NM_001754.5(RUNX1):c.346T>A; p.Phe116Ile; c.265T>A, p.Phe89Ile (NM_001001890.3, NM_001122607.2); short protein forms F89I, F116I.
Identifiers: ClinVar variation 2757681 (VCV002757681.4), dbSNP rs2517481327, ClinGen allele CA410203366.